The following is an entry in ClinVar:

ClinVar aggregate classification (germline): Pathogenic/Likely pathogenic. Review status: criteria provided, multiple submitters, no conflicts (2 of 4 stars). 4 submissions from 4 submitters: Pathogenic (1); Likely pathogenic (2). 1 of the submissions does not count toward it. Last evaluated 2025-04-10.

Conditions:
PDE6B-related disorder. Also called: PDE6B-related disease; PDE6B-related condition; PDE6B-related disorders.
Retinal dystrophy. Also called: Inherited retinal dystrophy. Identifiers: Orphanet 71862, MedGen C0854723, MeSH D058499, MONDO:0019118, HP:0000556.

Allele frequency attached by ClinVar (database versions not stated): gnomAD exomes 0.00001; TOPMed 0.00001; gnomAD 0.00002.
gnomAD v4.1: 10 of 1,578,872 alleles (0.00063%); highest among the groups gnomAD compares: South Asian, 0.0035%; no homozygotes.

Submissions (4):

PreventionGenetics, part of Exact Sciences
Classification: Likely pathogenic for PDE6B-related condition. Last evaluated: 2025-04-10. Review status: criteria provided, single submitter. Criteria: ACMG Guidelines, 2015. Collection method: clinical testing. Allele origin: germline.
Comment: The PDE6B c.1654C>T variant is predicted to result in the amino acid substitution p.Arg552Trp. This variant has been reported in the homozygous state or along with a second PDE6B variant in individuals with retinitis pigmentosa (Valverde et al. 1996. PubMed ID: 8956055; Ali et al. 2011. PubMed ID: 21655355), and was found to segregate in the homozygous state in two affected siblings (Valverde et al. 1996. PubMed ID: 8956055). This variant is reported in 0.0039% of alleles in individuals of South Asian descent in gnomAD. Another alteration at the same amino acid position, c.1655G>A, p.Arg552Gln, has been reported in the compound heterozygous state in several individuals with retinitis pigmentosa (Table S1, Stone et al. 2017. PubMed ID: 28559085; Table S1, Karali et al. 2022. PubMed ID: 36460718; Table S1, Schlottmann et al. 2023. PubMed ID: 37217489). Therefore, we interpret the c.1654C>T, p.Arg552Trp variant as likely pathogenic.

Labcorp Genetics (formerly Invitae), Labcorp
Classification: Pathogenic. Last evaluated: 2025-03-05. Review status: criteria provided, single submitter. Criteria: Invitae Variant Classification Sherloc (09022015). Collection method: clinical testing. Allele origin: germline.
Comment: This sequence change replaces arginine, which is basic and polar, with tryptophan, which is neutral and slightly polar, at codon 552 of the PDE6B protein (p.Arg552Trp). The frequency data for this variant in the population databases is considered unreliable, as metrics indicate poor data quality at this position in the gnomAD database. This missense change has been observed in individual(s) with clinical features of autosomal recessive PDE6B-related conditions (internal data). In at least one individual the data is consistent with being in trans (on the opposite chromosome) from a pathogenic variant. ClinVar contains an entry for this variant (Variation ID: 1466663). Invitae Evidence Modeling of protein sequence and biophysical properties (such as structural, functional, and spatial information, amino acid conservation, physicochemical variation, residue mobility, and thermodynamic stability) indicates that this missense variant is expected to disrupt PDE6B protein function with a positive predictive value of 95%. This variant disrupts the p.Arg552 amino acid residue in PDE6B. Other variant(s) that disrupt this residue have been determined to be pathogenic (PMID: 8956055, 21655355, 28559085). This suggests that this residue is clinically significant, and that variants that disrupt this residue are likely to be disease-causing. For these reasons, this variant has been classified as Pathogenic.

Blueprint Genetics
Classification: Likely pathogenic for PDE6B-related disorders. Last evaluated: 2024-11-08. Review status: criteria provided, single submitter. Criteria: ACMG Guidelines, 2015. Collection method: clinical testing. Allele origin: germline. Affected: yes. Observed: 1 variant allele.

Institute of Human Genetics, Univ. Regensburg, Univ. Regensburg
Classification: Likely pathogenic for Retinal dystrophy. Last evaluated: 2020-01-01. Review status: no assertion criteria provided. Criteria: ACMG Guidelines, 2015. Collection method: clinical testing. Allele origin: germline. Affected: yes. Not counted in ClinVar's aggregate classification.

Literature cited by the submitters: PubMed 8956055 (cited by Labcorp Genetics (formerly Invitae), Labcorp); PubMed 21655355 (cited by Labcorp Genetics (formerly Invitae), Labcorp); PubMed 28559085 (cited by Labcorp Genetics (formerly Invitae), Labcorp).

NM_000283.4(PDE6B):c.1654C>T (p.Arg552Trp)

Gene: PDE6B (phosphodiesterase 6B; plus strand). Cytogenetic location: 4p16.3.
Variant type: single nucleotide variant.
Coding change: c.1654C>T on transcript NM_000283.4 (MANE Select); coding-DNA position 1654, C replaced by T.
Protein change: p.Arg552Trp; replaces arginine 552 with tryptophan.
Molecular consequence: missense variant.
Genome position (GRCh38, 1-based): chr4:662,173, C>T. VCF-style: chr4-662173-C-T. GRCh37 (hg19) VCF-style: chr4-655962-C-T.
Other names: c.499C>T, p.Arg167Trp (NM_001350155.3); c.817C>T, p.Arg273Trp (NM_001379246.1, NM_001379247.1, NM_001145292.2 and 1 more transcripts); c.1654C>T, p.Arg552Trp (NM_001145291.2); c.1654C>T (NM_000283.3); short protein forms R273W, R167W, R552W.
Identifiers: ClinVar variation 1466663 (VCV001466663.11), dbSNP rs1201231261, ClinGen allele CA355916870.